The following is an entry in ClinVar:

ClinVar aggregate classification (germline): Uncertain significance. Review status: criteria provided, multiple submitters, no conflicts (2 of 4 stars). 2 submissions from 2 submitters: Uncertain significance (2). Last evaluated 2025-08-30.

Conditions:
Inborn genetic diseases. Identifiers: MedGen C0950123, MeSH D030342.
Baller-Gerold syndrome (BGS). Also called: CRANIOSYNOSTOSIS WITH RADIAL DEFECTS. Identifiers: Orphanet 1225, MedGen C0265308, MONDO:0009039, OMIM 218600.

Submissions (2):

Ambry Genetics
Classification: Uncertain significance for Inborn genetic diseases. Last evaluated: 2025-08-30. Review status: criteria provided, single submitter. Criteria: Ambry Variant Classification Scheme 2023. Collection method: clinical testing. Allele origin: germline.
Comment: The p.G733A variant (also known as c.2198G>C), located in coding exon 13 of the RECQL4 gene, results from a G to C substitution at nucleotide position 2198. The glycine at codon 733 is replaced by alanine, an amino acid with similar properties. This amino acid position is conserved. In addition, this alteration is predicted to be tolerated by in silico analysis. Based on the available evidence, the clinical significance of this variant remains unclear.

Labcorp Genetics (formerly Invitae), Labcorp
Classification: Uncertain significance for Baller-Gerold syndrome. Last evaluated: 2022-01-07. Review status: criteria provided, single submitter. Criteria: Invitae Variant Classification Sherloc (09022015). Collection method: clinical testing. Allele origin: germline.
Comment: In summary, the available evidence is currently insufficient to determine the role of this variant in disease. Therefore, it has been classified as a Variant of Uncertain Significance. ClinVar contains an entry for this variant (Variation ID: 406908). This variant has not been reported in the literature in individuals affected with RECQL4-related conditions. This variant is not present in population databases (gnomAD no frequency). This sequence change replaces glycine, which is neutral and non-polar, with alanine, which is neutral and non-polar, at codon 733 of the RECQL4 protein (p.Gly733Ala).

NM_004260.4(RECQL4):c.2198G>C (p.Gly733Ala)

Gene: RECQL4 (RecQ like helicase 4; minus strand). Cytogenetic location: 8q24.3.
Variant type: single nucleotide variant.
Coding change: c.2198G>C on transcript NM_004260.4 (MANE Select); coding-DNA position 2198, G replaced by C.
Protein change: p.Gly733Ala; replaces glycine 733 with alanine.
Molecular consequence: missense variant.
Genome position (GRCh38, 1-based): chr8:144,513,573, C>G on the plus strand (G>C on the coding strand, the complement: RECQL4 is on the minus strand). VCF-style: chr8-144513573-C-G. GRCh37 (hg19) VCF-style: chr8-145738957-C-G.
Other names: short protein forms G733A.
Identifiers: ClinVar variation 406908 (VCV000406908.6), dbSNP rs1060501359, ClinGen allele CA16612346.
Genomic context (GRCh38, chr8:144,513,573, plus strand): 5'-TGGGACCATGTGTGCCCAAGGTGGGTCCACGGGGACACCAGCTCTGTCCATGCCGCACCT[C>G]CAGACCCTGGGACCCAGGCTGCGTGCAGGCAGGTTCGGAGGAGCGCAGCGATCCGCTCTG-3'
Protein context (NP_004251.4, residues 723-743): CLHAAWVPGS[Gly733Ala]GRAPKTTAEA